The following is an entry in ClinVar:

ClinVar aggregate classification (germline): Pathogenic (1 of 4 stars; one submission).

Conditions:
Familial thoracic aortic aneurysm and aortic dissection (TAAD). Also called: Thoracic aortic aneurysms and dissections. Identifiers: Orphanet 91387, MedGen C4707243, MONDO:0019625.
Marfan syndrome (MFS). Also called: MARFAN SYNDROME, TYPE I; Marfan syndrome type 1; Marfan's syndrome; Marfan syndrome, classic; FBN1-Related Marfan Syndrome. Identifiers: Orphanet 284963, Orphanet 558, MedGen C0024796, MONDO:0007947, OMIM 154700.

Submission:

Labcorp Genetics (formerly Invitae), Labcorp
Classification: Pathogenic for Marfan syndrome; Familial thoracic aortic aneurysm and aortic dissection. Last evaluated: 2025-01-27. Review status: criteria provided, single submitter. Criteria: Invitae Variant Classification Sherloc (09022015). Collection method: clinical testing. Allele origin: germline.
Comment: This sequence change affects an acceptor splice site in intron 64 of the FBN1 gene. It is expected to disrupt RNA splicing. Variants that disrupt the donor or acceptor splice site typically lead to a loss of protein function (PMID: 16199547), and loss-of-function variants in FBN1 are known to be pathogenic (PMID: 17657824, 19293843). This variant is not present in population databases (gnomAD no frequency). Disruption of this splice site has been observed in individuals with clinical features of Marfan syndrome (PMID: 10756346; internal data). ClinVar contains an entry for this variant (Variation ID: 2137673). Algorithms developed to predict the effect of sequence changes on RNA splicing suggest that this variant may disrupt the consensus splice site. For these reasons, this variant has been classified as Pathogenic.

Literature cited by the submitters: PubMed 16199547; PubMed 17657824; PubMed 19293843; PubMed 10756346.

NM_000138.5(FBN1):c.8052-2A>G

Gene: FBN1 (fibrillin 1; minus strand). Cytogenetic location: 15q21.1.
Variant type: single nucleotide variant.
Coding change: c.8052-2A>G on transcript NM_000138.5 (MANE Select); the canonical splice acceptor site of the intron before coding-DNA position 8052, A replaced by G.
Molecular consequence: splice acceptor variant.
Genome position (GRCh38, 1-based): chr15:48,412,745, T>C on the plus strand (A>G on the coding strand, the complement: FBN1 is on the minus strand). VCF-style: chr15-48412745-T-C. GRCh37 (hg19) VCF-style: chr15-48704942-T-C.
Other names: c.8052-2A>G (NM_001406716.1).
Identifiers: ClinVar variation 2137673 (VCV002137673.4), dbSNP rs2505375978, ClinGen allele CA392321685.